The following is an entry in ClinVar:

NC_000002.12:g.51032510_51032519del

Gene: NRXN1 (neurexin 1; minus strand). Cytogenetic location: 2p16.3.
Variant type: Deletion.
Genome position: GRCh38 VCF-style: chr2-51032506-AAGAAAGAGAG-A. GRCh37 (hg19) VCF-style: chr2-51259644-AAGAAAGAGAG-A.
Identifiers: ClinVar variation 336594 (VCV000336594.29), dbSNP rs886056182, ClinGen allele CA10614151.

ClinVar aggregate classification (germline): Benign (1 of 4 stars; one submission).

Submission:

CeGaT Center for Human Genetics Tuebingen
Classification: Benign. Last evaluated: 2023-07-01. Review status: criteria provided, single submitter. Criteria: CeGaT Center For Human Genetics Tuebingen Variant Classification Criteria Version 2. Collection method: clinical testing. Allele origin: germline. Affected: yes. Observed: 5 variant alleles.
Comment: NRXN1: BS1, BS2